The following is an entry in ClinVar:

ClinVar aggregate classification (germline): Uncertain significance (1 of 4 stars; one submission).

Conditions:
Multiple endocrine neoplasia type 4. Also called: MULTIPLE ENDOCRINE NEOPLASIA, TYPE IV. Identifiers: Orphanet 276152, MedGen C1970712, MONDO:0012552, OMIM 610755.

Submission:

Labcorp Genetics (formerly Invitae), Labcorp
Classification: Uncertain significance for Multiple endocrine neoplasia type 4. Last evaluated: 2025-08-20. Review status: criteria provided, single submitter. Criteria: Invitae Variant Classification Sherloc (09022015). Collection method: clinical testing. Allele origin: germline.
Comment: This sequence change affects codon 58 of the CDKN1B mRNA. It is a 'silent' change, meaning that it does not change the encoded amino acid sequence of the CDKN1B protein. This variant is not present in population databases (gnomAD no frequency). This variant has not been reported in the literature in individuals affected with CDKN1B-related conditions. ClinVar contains an entry for this variant (Variation ID: 1947601). Algorithms developed to predict the effect of sequence changes on RNA splicing suggest that this variant may create or strengthen a splice site. In summary, the available evidence is currently insufficient to determine the role of this variant in disease. Therefore, it has been classified as a Variant of Uncertain Significance.

NM_004064.5(CDKN1B):c.174C>T (p.Arg58=)

Gene: CDKN1B (cyclin dependent kinase inhibitor 1B; plus strand). Cytogenetic location: 12p13.1.
Variant type: single nucleotide variant.
Coding change: c.174C>T on transcript NM_004064.5 (MANE Select); coding-DNA position 174, C replaced by T.
Protein change: p.Arg58=; no amino-acid change (arginine 58 retained).
Molecular consequence: synonymous variant.
Genome position (GRCh38, 1-based): chr12:12,718,013, C>T. VCF-style: chr12-12718013-C-T. GRCh37 (hg19) VCF-style: chr12-12870947-C-T.
Identifiers: ClinVar variation 1947601 (VCV001947601.3), dbSNP rs757517265, ClinGen allele CA478845590.